The following is an entry in ClinVar:

ClinVar aggregate classification (germline): Likely benign (1 of 4 stars; one submission).

Allele frequency attached by ClinVar (database versions not stated): 1000 Genomes Project 0.00040; ExAC 0.00127.

Submission:

CeGaT Center for Human Genetics Tuebingen
Classification: Likely benign. Last evaluated: 2022-11-01. Review status: criteria provided, single submitter. Criteria: CeGaT Center For Human Genetics Tuebingen Variant Classification Criteria Version 2. Collection method: clinical testing. Allele origin: germline. Affected: yes. Observed: 1 variant allele.
Comment: LILRA3: BP4, BP7

NM_006865.5(LILRA3):c.894C>T (p.Ser298=)

Gene: LILRA3 (leukocyte immunoglobulin like receptor A3; minus strand). Cytogenetic location: 19q13.42.
Variant type: single nucleotide variant.
Coding change: c.894C>T on transcript NM_006865.5 (MANE Select); coding-DNA position 894, C replaced by T.
Protein change: p.Ser298=; no amino-acid change (serine 298 retained).
Molecular consequence: synonymous variant.
Genome position (GRCh38, 1-based): chr19:273,661, G>A on the plus strand (C>T on the coding strand, the complement: LILRA3 is on the minus strand). VCF-style: chr19-273661-G-A. GRCh37 (hg19) VCF-style: chr19-54802547-G-A.
Other names: c.702C>T, p.Ser234= (NM_001172654.2).
Identifiers: ClinVar variation 2650446 (VCV002650446.19), dbSNP rs1599929587, ClinGen allele CA9650206.